The following is an entry in ClinVar:

NM_017780.4(CHD7):c.201del (p.His68fs)

Gene: CHD7 (chromodomain helicase DNA binding protein 7; plus strand). Cytogenetic location: 8q12.2.
Variant type: Deletion.
Coding change: c.201del on transcript NM_017780.4 (MANE Select); coding-DNA position 201, one base deleted (A; older notation c.201delA).
Protein change: p.His68fs; shifts the reading frame from histidine 68.
Molecular consequence: frameshift variant.
Genome position (GRCh38, 1-based): chr8:60,741,633, A deleted. VCF-style (leftmost placement, unchanged base first): chr8-60741632-CA-C. GRCh37 (hg19) VCF-style: chr8-61654191-CA-C.
Other names: c.201del, p.His68fs (NM_001316690.1); short protein forms H68fs.
Identifiers: ClinVar variation 3775638 (VCV003775638.1).

ClinVar aggregate classification (germline): Likely pathogenic (1 of 4 stars; one submission).

Conditions:
CHARGE syndrome (CHARGE). Also called: Hittner Hirsch Kreh syndrome; CHARGE ASSOCIATION--COLOBOMA, HEART ANOMALY, CHOANAL ATRESIA, RETARDATION, GENITAL AND EAR ANOMALIES; Coloboma, heart anomaly, choanal atresia, retardation, genital and ear anomalies; CHARGE association; Hall-Hittner syndrome. Identifiers: Orphanet 138, MedGen C0265354, MONDO:0008965.

Submission:

3billion
Classification: Likely pathogenic for CHD7-related CHARGE syndrome. Last evaluated: 2023-11-21. Review status: criteria provided, single submitter. Criteria: ACMG Guidelines, 2015. Collection method: clinical testing. Allele origin: germline. Affected: yes.
Comment: The variant is not observed in the gnomAD v2.1.1 dataset. Predicted Consequence/Location: Frameshift: predicted to result in a loss or disruption of normal protein function through nonsense-mediated decay (NMD) or protein truncation. Multiple pathogenic variants are reported downstream of the variant. Therefore, this variant is classified as Likely pathogenic according to the recommendation of ACMG/AMP guideline.